The following is an entry in ClinVar:

ClinVar aggregate classification (germline): Uncertain significance (1 of 4 stars; one submission).

Conditions:
Polyglucosan body myopathy type 2. Identifiers: Orphanet 456369, MedGen C4015452, MONDO:0014526, OMIM 616199.
Glycogen storage disease XV (GSD15). Also called: GLYCOGENIN DEFICIENCY; GSD XV. Identifiers: Orphanet 263297, MedGen C3150754, MONDO:0013291, OMIM 613507.

Allele frequency attached by ClinVar (database versions not stated): gnomAD 0.00001 and 0.00002; 1000 Genomes Project 30x 0.00016; TOPMed 0.00002; ExAC 0.00004; 1000 Genomes Project 0.00020.
gnomAD v4.1: 13 of 1,553,006 alleles (0.00084%); highest among the groups gnomAD compares: East Asian, 0.009%; no homozygotes.

Submission:

Labcorp Genetics (formerly Invitae), Labcorp
Classification: Uncertain significance for Polyglucosan body myopathy type 2; Glycogen storage disease XV. Last evaluated: 2025-02-24. Review status: criteria provided, single submitter. Criteria: Invitae Variant Classification Sherloc (09022015). Collection method: clinical testing. Allele origin: germline.
Comment: This sequence change falls in intron 6 of the GYG1 gene. It does not directly change the encoded amino acid sequence of the GYG1 protein. It affects a nucleotide within the consensus splice site. This variant is present in population databases (rs200878347, gnomAD 0.04%). This variant has not been reported in the literature in individuals affected with GYG1-related conditions. ClinVar contains an entry for this variant (Variation ID: 1470864). Variants that disrupt the consensus splice site are a relatively common cause of aberrant splicing (PMID: 17576681, 9536098). Algorithms developed to predict the effect of sequence changes on RNA splicing suggest that this variant may disrupt the consensus splice site. In summary, the available evidence is currently insufficient to determine the role of this variant in disease. Therefore, it has been classified as a Variant of Uncertain Significance.

Literature cited by the submitters: PubMed 17576681; PubMed 9536098.

NM_004130.4(GYG1):c.828+5G>A

Gene: GYG1 (glycogenin 1; plus strand). Cytogenetic location: 3q24.
Variant type: single nucleotide variant.
Coding change: c.828+5G>A on transcript NM_004130.4 (MANE Select); 5 bases into the intron after coding-DNA position 828, G replaced by A.
Molecular consequence: intron variant.
Genome position (GRCh38, 1-based): chr3:149,024,277, G>A. VCF-style: chr3-149024277-G-A. GRCh37 (hg19) VCF-style: chr3-148742064-G-A.
Other names: c.828+5G>A (NM_001184720.2); c.609-2483G>A (NM_001184721.2).
Identifiers: ClinVar variation 1470864 (VCV001470864.4), dbSNP rs200878347, ClinGen allele CA2658660.
Genomic context (GRCh38, chr3:149,024,277, plus strand): 5'-TACCTCTGCTTCAACAATTTGGCCTTGTCAAAGACACCTGCTCATATGTAAATGTGGTAG[G>A]TTCTGTTTCTTTTCTTCAGATCATTTAATGCTGCTTTTTAAAAAAATTGTTGTATCAATA-3'